The following is an entry in ClinVar:

NM_004279.3(PMPCB):c.1406-3T>C

Gene: PMPCB (peptidase, mitochondrial processing subunit beta; plus strand). Cytogenetic location: 7q22.1.
Variant type: single nucleotide variant.
Coding change: c.1406-3T>C on transcript NM_004279.3 (MANE Select); 3 bases into the intron before coding-DNA position 1406, T replaced by C.
Molecular consequence: intron variant.
Genome position (GRCh38, 1-based): chr7:103,312,204, T>C. VCF-style: chr7-103312204-T-C. GRCh37 (hg19) VCF-style: chr7-102952651-T-C.
Other names: c.1406-3T>C (NM_004279.2).
Identifiers: ClinVar variation 2861013 (VCV002861013.5), dbSNP rs2066757, ClinGen allele CA4418302.

ClinVar aggregate classification (germline): Benign. Review status: criteria provided, single submitter (1 of 4 stars). 2 submissions from 2 submitters: Benign (1). 1 of the submissions does not count toward it. Last evaluated 2025-11-25.

Conditions:
PMPCB-related disorder. Also called: PMPCB-related condition.

Allele frequency attached by ClinVar (database versions not stated): ESP Exome Variant Server 0.00031; gnomAD 0.00078; ExAC 0.00153; TOPMed 0.00113; 1000 Genomes Project 0.00339; gnomAD exomes 0.00054; 1000 Genomes Project 30x 0.00297.

Submissions (2):

Labcorp Genetics (formerly Invitae), Labcorp
Classification: Benign. Last evaluated: 2025-11-25. Review status: criteria provided, single submitter. Criteria: Invitae Variant Classification Sherloc (09022015). Collection method: clinical testing. Allele origin: germline.

PreventionGenetics, part of Exact Sciences
Classification: Benign for PMPCB-related condition. Last evaluated: 2019-08-16. Review status: no assertion criteria provided. Collection method: clinical testing. Allele origin: germline. Not counted in ClinVar's aggregate classification.
Comment: This variant is classified as benign based on ACMG/AMP sequence variant interpretation guidelines (Richards et al. 2015 PMID: 25741868, with internal and published modifications).